The following is an entry in ClinVar:

NM_001163435.3(TBCK):c.208G>A (p.Val70Met)

Gene: TBCK (TBC1 domain containing kinase; minus strand). Cytogenetic location: 4q24.
Variant type: single nucleotide variant.
Coding change: c.208G>A on transcript NM_001163435.3 (MANE Select); coding-DNA position 208, G replaced by A.
Protein change: p.Val70Met; replaces valine 70 with methionine.
Molecular consequence: missense variant. On other transcripts: 5 prime UTR variant (1).
Genome position (GRCh38, 1-based): chr4:106,295,152, C>T on the plus strand (G>A on the coding strand, the complement: TBCK is on the minus strand). VCF-style: chr4-106295152-C-T. GRCh37 (hg19) VCF-style: chr4-107216309-C-T.
Other names: c.208G>A (NM_001163435.1); c.208G>A, p.Val70Met (NM_001163436.4, NM_001163437.3, NM_033115.5); c.-410G>A (NM_001290768.2); short protein forms V70M.
Identifiers: ClinVar variation 1446215 (VCV001446215.5), dbSNP rs200673063, ClinGen allele CA3035501.

ClinVar aggregate classification (germline): Uncertain significance. Review status: criteria provided, multiple submitters, no conflicts (2 of 4 stars). 3 submissions from 3 submitters: Uncertain significance (3). Last evaluated 2024-01-16.

Conditions:
Inborn genetic diseases. Identifiers: MedGen C0950123, MeSH D030342.

Allele frequency attached by ClinVar (database versions not stated): TOPMed 0.00006.
gnomAD v4.1: 59 of 1,612,486 alleles (0.0037%); highest among the groups gnomAD compares: Middle Eastern, 0.033%; no homozygotes.

Submissions (3):

Ambry Genetics
Classification: Uncertain significance for Inborn genetic diseases. Last evaluated: 2024-01-16. Review status: criteria provided, single submitter. Criteria: Ambry Variant Classification Scheme 2023. Collection method: clinical testing. Allele origin: germline.

Labcorp Genetics (formerly Invitae), Labcorp
Classification: Uncertain significance. Last evaluated: 2022-11-01. Review status: criteria provided, single submitter. Criteria: Invitae Variant Classification Sherloc (09022015). Collection method: clinical testing. Allele origin: germline.
Comment: This sequence change replaces valine, which is neutral and non-polar, with methionine, which is neutral and non-polar, at codon 70 of the TBCK protein (p.Val70Met). This variant is present in population databases (rs200673063, gnomAD 0.01%). This variant has not been reported in the literature in individuals affected with TBCK-related conditions. ClinVar contains an entry for this variant (Variation ID: 1446215). Advanced modeling of protein sequence and biophysical properties (such as structural, functional, and spatial information, amino acid conservation, physicochemical variation, residue mobility, and thermodynamic stability) performed at Invitae indicates that this missense variant is expected to disrupt TBCK protein function. In summary, the available evidence is currently insufficient to determine the role of this variant in disease. Therefore, it has been classified as a Variant of Uncertain Significance.

Blueprint Genetics
Classification: Uncertain significance. Last evaluated: 2021-12-20. Review status: criteria provided, single submitter. Criteria: ACMG Guidelines, 2015. Collection method: clinical testing. Allele origin: germline.